The following is an entry in ClinVar:

ClinVar aggregate classification (germline): Uncertain significance (1 of 4 stars; one submission).

Conditions:
POLD1-related polyposis and colorectal cancer syndrome (CRCS10). Also called: Colorectal cancer 10; COLORECTAL CANCER, SUSCEPTIBILITY TO, ON CHROMOSOME 19q; Colorectal cancer, susceptibility to, 10. Identifiers: Orphanet 220460, MedGen C2675481, MONDO:0012953, OMIM 612591.

Submission:

Labcorp Genetics (formerly Invitae), Labcorp
Classification: Uncertain significance for POLD1-related polyposis and colorectal cancer syndrome. Last evaluated: 2019-12-20. Review status: criteria provided, single submitter. Criteria: Invitae Variant Classification Sherloc (09022015). Collection method: clinical testing. Allele origin: germline.
Comment: This variant has not been reported in the literature in individuals with POLD1-related conditions. Missense variants that disrupt the 3'-5' exonuclease (proof-reading) activity of the POLD1 protein, while not abolishing its polymerase enzyme activity, are associated with an increased risk for colonic adenomatous polyps and colon cancer (PMID: 23263490, 23447401). Loss-of-function variants, which result in an absent or severely disrupted POLD1 protein, are therefore unlikely to be associated with disease. Without further clinical and genetic evidence, however, this variant has been classified as a Variant of Uncertain Significance. This variant is not present in population databases (ExAC no frequency). This sequence change creates a premature translational stop signal (p.Ile952Hisfs*2) in the POLD1 gene. It is expected to result in an absent or disrupted protein product.

Literature cited by the submitters: PubMed 23263490; PubMed 23447401.

NM_002691.4(POLD1):c.2853dup (p.Ile952fs)

Gene: POLD1 (DNA polymerase delta 1, catalytic subunit; plus strand). Cytogenetic location: 19q13.33.
Variant type: Duplication.
Coding change: c.2853dup on transcript NM_002691.4 (MANE Select); coding-DNA position 2853, one base duplicated (C; older notation c.2853dupC).
Protein change: p.Ile952fs; shifts the reading frame from isoleucine 952.
Molecular consequence: frameshift variant. On other transcripts: non-coding transcript variant (1).
Genome position (GRCh38, 1-based): chr19:50,416,428, C duplicated; the last of 3 consecutive C bases (chr19:50,416,426-50,416,428); duplicating any one gives the same sequence. VCF-style (leftmost placement, unchanged base first): chr19-50416425-G-GC. GRCh37 (hg19) VCF-style: chr19-50919682-G-GC.
Other names: c.2853dup, p.Ile952fs (NM_001256849.1); c.2931dup, p.Ile978fs (NM_001308632.1); short protein forms I952fs, I978fs.
Identifiers: ClinVar variation 847931 (VCV000847931.10), dbSNP rs1183245135, ClinGen allele CA883197662.